The following is an entry in ClinVar:

NM_001367561.1(DOCK7):c.4783del (p.Met1595fs)

Gene: DOCK7 (dedicator of cytokinesis 7; minus strand). Cytogenetic location: 1p31.3.
Variant type: Deletion.
Coding change: c.4783del on transcript NM_001367561.1 (MANE Select); coding-DNA position 4783, one base deleted (A; older notation c.4783delA).
Protein change: p.Met1595fs; shifts the reading frame from methionine 1595.
Molecular consequence: frameshift variant.
Genome position (GRCh38, 1-based): chr1:62,496,479, T deleted on the plus strand (A on the coding strand, the reverse complement: DOCK7 is on the minus strand); the first of 4 consecutive T bases (chr1:62,496,479-62,496,482); deleting any one gives the same sequence. VCF-style (leftmost placement, unchanged base first): chr1-62496478-AT-A. GRCh37 (hg19) VCF-style: chr1-62962149-AT-A.
Other names: c.4756del, p.Met1586fs (NM_001271999.2, NM_001330614.2); c.4663del, p.Met1555fs (NM_001272000.2, NM_001272001.2); c.4690del, p.Met1564fs (NM_033407.4); c.4756delA (NM_001271999.1); short protein forms M1564fs, M1586fs, M1595fs, M1555fs.
Identifiers: ClinVar variation 475155 (VCV000475155.1), dbSNP rs1553156203, ClinGen allele CA658656939.
Genomic context (GRCh38, chr1:62,496,478, plus strand): 5'-AATTCTTCATTAAAATTCTGAGATGTGCCCACCAAGGAGGATAGTGACATTGTTACCTGC[AT>A]TTTAACCCTGGCAAAGTTCTGTAACAGAGAAATTGTCCAGTCAATACTTAATATAGAAAA-3'

ClinVar aggregate classification (germline): Pathogenic (1 of 4 stars; one submission).

Conditions:
Developmental and epileptic encephalopathy, 23 (DEE23). Also called: Epileptic encephalopathy, early infantile, 23. Identifiers: Orphanet 411986, MedGen C4014492, MONDO:0014371, OMIM 615859.

Submission:

Labcorp Genetics (formerly Invitae), Labcorp
Classification: Pathogenic for Epileptic encephalopathy, early infantile, 23. Last evaluated: 2018-06-30. Review status: criteria provided, single submitter. Criteria: Invitae Variant Classification Sherloc (09022015). Collection method: clinical testing. Allele origin: germline.
Comment: This sequence change creates a premature translational stop signal (p.Met1586Cysfs*3) in the DOCK7 gene. It is expected to result in an absent or disrupted protein product. This variant is not present in population databases (ExAC no frequency). This variant has not been reported in the literature in individuals with DOCK7-related disease. Loss-of-function variants in DOCK7 are known to be pathogenic (PMID: 24814191). For these reasons, this variant has been classified as Pathogenic.